The following is an entry in ClinVar:

ClinVar aggregate classification (germline): Pathogenic/Likely pathogenic. Review status: criteria provided, multiple submitters, no conflicts (2 of 4 stars). 2 submissions from 2 submitters: Pathogenic (1); Likely pathogenic (1). Last evaluated 2025-02-16.

Conditions:
Neuropathy, hereditary motor and sensory, type 6B (HMSN6B). Also called: HMSN VIB; CHARCOT-MARIE-TOOTH DISEASE, TYPE 6B; Neuropathy, hereditary motor and sensory, type VIB; NEUROPATHY, HEREDITARY MOTOR AND SENSORY, TYPE VIB, WITH OPTIC ATROPHY. Identifiers: MedGen C4225302, MONDO:0014671, OMIM 616505.

Submissions (2):

Laboratory of Genetics, Children's Clinical University Hospital Latvia
Classification: Likely pathogenic. Last evaluated: 2025-02-16. Review status: criteria provided, single submitter. Criteria: ACMG Guidelines, 2015. Collection method: clinical testing. Allele origin: germline. Affected: yes.

Labcorp Genetics (formerly Invitae), Labcorp
Classification: Pathogenic for Neuropathy, hereditary motor and sensory, type 6B. Last evaluated: 2023-07-12. Review status: criteria provided, single submitter. Criteria: Invitae Variant Classification Sherloc (09022015). Collection method: clinical testing. Allele origin: germline.
Comment: For these reasons, this variant has been classified as Pathogenic. This variant has not been reported in the literature in individuals affected with SLC25A46-related conditions. This variant is not present in population databases (gnomAD no frequency). This sequence change creates a premature translational stop signal (p.Gly102*) in the SLC25A46 gene. It is expected to result in an absent or disrupted protein product. Loss-of-function variants in SLC25A46 are known to be pathogenic (PMID: 26168012, 26951855, 27543974).

Literature cited by the submitters: PubMed 26168012 (cited by Labcorp Genetics (formerly Invitae), Labcorp); PubMed 26951855 (cited by Labcorp Genetics (formerly Invitae), Labcorp); PubMed 27543974 (cited by Labcorp Genetics (formerly Invitae), Labcorp).

NM_138773.4(SLC25A46):c.304G>T (p.Gly102Ter)

Gene: SLC25A46 (solute carrier family 25 member 46; plus strand). Cytogenetic location: 5q22.1.
Variant type: single nucleotide variant.
Coding change: c.304G>T on transcript NM_138773.4 (MANE Select); coding-DNA position 304, G replaced by T.
Protein change: p.Gly102Ter; replaces glycine 102 with a stop codon.
Molecular consequence: nonsense. On other transcripts: non-coding transcript variant (1).
Genome position (GRCh38, 1-based): chr5:110,742,067, G>T. VCF-style: chr5-110742067-G-T. GRCh37 (hg19) VCF-style: chr5-110077768-G-T.
Other names: c.304G>T, p.Gly102Ter (NM_001303249.3); c.31G>T, p.Gly11Ter (NM_001303250.3); short protein forms G11*, G102*.
Identifiers: ClinVar variation 2742123 (VCV002742123.4), dbSNP rs2547519976, ClinGen allele CA360693578.